The following is an entry in ClinVar:

ClinVar aggregate classification (germline): Pathogenic/Likely pathogenic. Review status: criteria provided, multiple submitters, no conflicts (2 of 4 stars). 4 submissions from 4 submitters: Pathogenic (1); Likely pathogenic (1). 2 of the submissions do not count toward it. Last evaluated 2025-09-24.

Conditions:
Charcot-Marie-Tooth disease type 4. Also called: Charcot-Marie-Tooth disease, type IV; Charcot-Marie-Tooth, Type 4. Identifiers: Orphanet 64749, MedGen C4082197, MONDO:0018995.
Charcot-Marie-Tooth disease type 4F. Also called: Charcot-Marie-Tooth disease, demyelinating, type 4F. Identifiers: Orphanet 99952, MedGen C3540453, MONDO:0013959, OMIM 614895.
Charcot-Marie-Tooth disease. Also called: Charcot-Marie-Tooth Neuropathy; Charcot-Marie-Tooth Hereditary Neuropathy. Identifiers: Orphanet 166, MedGen C0007959, MONDO:0015626.

Allele frequency attached by ClinVar (database versions not stated): gnomAD 0.00003; ExAC 0.00005; gnomAD exomes below 0.00001 and 0.00001; TOPMed 0.00001.
gnomAD v4.1: 4 of 1,566,614 alleles (0.00026%); highest among the groups gnomAD compares: African/African-American, 0.0013%; no homozygotes.

Submissions (4):

Labcorp Genetics (formerly Invitae), Labcorp
Classification: Pathogenic for Charcot-Marie-Tooth disease type 4. Last evaluated: 2025-09-24. Review status: criteria provided, single submitter. Criteria: Invitae Variant Classification Sherloc (09022015). Collection method: clinical testing. Allele origin: germline.
Comment: This sequence change creates a premature translational stop signal (p.Glu197*) in the PRX gene. While this is not anticipated to result in nonsense mediated decay, it is expected to disrupt the last 1265 amino acid(s) of the PRX protein. The frequency data for this variant in the population databases is considered unreliable, as metrics indicate poor data quality at this position in the gnomAD database. This premature translational stop signal has been observed in individual(s) with Charcot-Marie-Tooth disease (PMID: 24078732). ClinVar contains an entry for this variant (Variation ID: 637403). This variant disrupts a region of the PRX protein in which other variant(s) (p.Arg1070*) have been determined to be pathogenic (PMID: 15197604, 15469949, 16770524, 22847150, 26059842). This suggests that this is a clinically significant region of the protein, and that variants that disrupt it are likely to be disease-causing. For these reasons, this variant has been classified as Pathogenic.

3billion
Classification: Likely pathogenic for Charcot-Marie-Tooth disease type 4F. Last evaluated: 2025-08-04. Review status: criteria provided, single submitter. Criteria: ACMG Guidelines, 2015. Collection method: clinical testing. Allele origin: germline. Affected: yes.
Comment: The variant is observed at an extremely low frequency in the gnomAD v4.1.0 dataset (total allele frequency: <0.001%). Predicted Consequence/Location: Stop-gained (nonsense): predicted to result in a loss or disruption of normal protein function through protein truncation. The predicted truncated protein may be shortened by more than 10%. The variant has been reported to be associated with PRX-related disorder (ClinVar ID: VCV000637403 /PMID: 24078732). Therefore, this variant is classified as Likely pathogenic according to the recommendation of ACMG/AMP guideline.

Department of Pathology and Laboratory Medicine, Sinai Health System
Classification: Pathogenic. Review status: no assertion criteria provided. Collection method: clinical testing. Allele origin: unknown. Affected: yes. Study: The Canadian Open Genetics Repository (COGR). Not counted in ClinVar's aggregate classification.

Inherited Neuropathy Consortium
Classification: Uncertain significance for Charcot-Marie-Tooth disease. Review status: no assertion criteria provided. Collection method: literature only. Allele origin: germline. Affected: yes. Not counted in ClinVar's aggregate classification.

Literature cited by the submitters: PubMed 24078732 (cited by 3 submitters); PubMed 15197604 (cited by Labcorp Genetics (formerly Invitae), Labcorp); PubMed 15469949 (cited by Labcorp Genetics (formerly Invitae), Labcorp); PubMed 16770524 (cited by Labcorp Genetics (formerly Invitae), Labcorp); PubMed 22847150 (cited by Labcorp Genetics (formerly Invitae), Labcorp); PubMed 26059842 (cited by Labcorp Genetics (formerly Invitae), Labcorp).

NM_181882.3(PRX):c.589G>T (p.Glu197Ter)

Gene: PRX (periaxin; minus strand). Cytogenetic location: 19q13.2.
Variant type: single nucleotide variant.
Coding change: c.589G>T on transcript NM_181882.3 (MANE Select); coding-DNA position 589, G replaced by T.
Protein change: p.Glu197Ter; replaces glutamic acid 197 with a stop codon.
Molecular consequence: nonsense. On other transcripts: 3 prime UTR variant (1).
Genome position (GRCh38, 1-based): chr19:40,397,763, C>A on the plus strand (G>T on the coding strand, the complement: PRX is on the minus strand). VCF-style: chr19-40397763-C-A. GRCh37 (hg19) VCF-style: chr19-40903670-C-A.
Other names: c.*794G>T (NM_020956.2); short protein forms E197*.
Identifiers: ClinVar variation 637403 (VCV000637403.7), dbSNP rs753857146, ClinGen allele CA9444422.